The following is an entry in ClinVar:

NM_001267550.2(TTN):c.75158G>A (p.Trp25053Ter)

Genes: TTN-AS1 (TTN antisense RNA 1; plus strand), TTN (titin; minus strand). Cytogenetic location: 2q31.2.
Variant type: single nucleotide variant.
Coding change: c.75158G>A on transcript NM_001267550.2 (MANE Select); coding-DNA position 75158, G replaced by A.
Protein change: p.Trp25053Ter; replaces tryptophan 25053 with a stop codon.
Molecular consequence: nonsense.
Genome position (GRCh38, 1-based): chr2:178,570,974, C>T on the plus strand (G>A on the coding strand, the complement: TTN is on the minus strand). VCF-style: chr2-178570974-C-T. GRCh37 (hg19) VCF-style: chr2-179435701-C-T.
Other names: c.70235G>A, p.Trp23412Ter (NM_001256850.1); c.47963G>A, p.Trp15988Ter (NM_003319.4); c.67454G>A, p.Trp22485Ter (NM_133378.4); c.48338G>A, p.Trp16113Ter (NM_133432.3); c.48539G>A, p.Trp16180Ter (NM_133437.4); short protein forms W23412*, W25053*, W15988*, W16180*, W22485*, W16113*.
Identifiers: ClinVar variation 4784060 (VCV004784060.1).

ClinVar aggregate classification (germline): Likely pathogenic (1 of 4 stars; one submission).

Conditions:
Dilated cardiomyopathy 1G (CMD1G). Identifiers: Orphanet 154, MedGen C1858763, MONDO:0011400, OMIM 604145.
Autosomal recessive limb-girdle muscular dystrophy type 2J (LGMDR10). Also called: Limb-girdle muscular dystrophy, type 2J; MUSCULAR DYSTROPHY, LIMB-GIRDLE, AUTOSOMAL RECESSIVE 10. Identifiers: Orphanet 140922, MedGen C1837342, MONDO:0012127, OMIM 608807.

Submission:

Labcorp Genetics (formerly Invitae), Labcorp
Classification: Likely pathogenic for Dilated cardiomyopathy 1G; Autosomal recessive limb-girdle muscular dystrophy type 2J. Last evaluated: 2025-04-13. Review status: criteria provided, single submitter. Criteria: Invitae Variant Classification Sherloc (09022015). Collection method: clinical testing. Allele origin: germline.
Comment: This sequence change creates a premature translational stop signal (p.Trp25053*) in the TTN gene. While this is not anticipated to result in nonsense mediated decay, it is expected to create a truncated TTN protein. This variant is not present in population databases (gnomAD no frequency). This premature translational stop signal has been observed in individual(s) with dilated cardiomyopathy (internal data). This variant is located in the A band of TTN (PMID: 25589632). Truncating variants in this region are significantly overrepresented in patients affected with dilated cardiomyopathy (PMID: 25589632). Truncating variants in this region have also been reported in individuals affected with autosomal recessive centronuclear myopathy (PMID: 23975875). In summary, the currently available evidence indicates that the variant is pathogenic, but additional data are needed to prove that conclusively. Therefore, this variant has been classified as Likely Pathogenic.

Literature cited by the submitters: PubMed 25589632; PubMed 23975875.